The following is an entry in ClinVar:

ClinVar aggregate classification (germline): Benign/Likely benign. Review status: criteria provided, multiple submitters, no conflicts (2 of 4 stars). 3 submissions from 3 submitters: Benign (1); Likely benign (2). Last evaluated 2025-11-05.

Allele frequency attached by ClinVar (database versions not stated): ExAC 0.00007; ESP Exome Variant Server 0.00008; gnomAD 0.00010; gnomAD exomes 0.00015 and 0.00020; TOPMed 0.00015; 1000 Genomes Project 30x 0.00016; 1000 Genomes Project 0.00020.
gnomAD v4.1: 307 of 1,608,712 alleles (0.019%); highest among the groups gnomAD compares: Middle Eastern, 0.12%; 1 homozygote.

Submissions (3):

Labcorp Genetics (formerly Invitae), Labcorp
Classification: Benign. Last evaluated: 2025-11-05. Review status: criteria provided, single submitter. Criteria: Invitae Variant Classification Sherloc (09022015). Collection method: clinical testing. Allele origin: germline.

Blueprint Genetics
Classification: Likely benign. Last evaluated: 2024-11-14. Review status: criteria provided, single submitter. Criteria: ACMG Guidelines, 2015. Collection method: clinical testing. Allele origin: germline.

CeGaT Center for Human Genetics Tuebingen
Classification: Likely benign. Last evaluated: 2022-07-01. Review status: criteria provided, single submitter. Criteria: CeGaT Center For Human Genetics Tuebingen Variant Classification Criteria Version 2. Collection method: clinical testing. Allele origin: germline. Affected: yes. Observed: 1 variant allele.
Comment: GPR179: BP4, BP7

NM_001004334.4(GPR179):c.1140G>A (p.Leu380=)

Gene: GPR179 (G protein-coupled receptor 179; minus strand). Cytogenetic location: 17q12.
Variant type: single nucleotide variant.
Coding change: c.1140G>A on transcript NM_001004334.4 (MANE Select); coding-DNA position 1140, G replaced by A.
Protein change: p.Leu380=; no amino-acid change (leucine 380 retained).
Molecular consequence: synonymous variant.
Genome position (GRCh38, 1-based): chr17:38,337,065, C>T on the plus strand (G>A on the coding strand, the complement: GPR179 is on the minus strand). VCF-style: chr17-38337065-C-T. GRCh37 (hg19) VCF-style: chr17-36492948-C-T.
Identifiers: ClinVar variation 1598638 (VCV001598638.33), dbSNP rs201053760, ClinGen allele CA290109357.
Genomic context (GRCh38, chr17:38,337,065, plus strand): 5'-CAGCATGCTCAGGAAGATGGCCAGCATGCAGCAGGCCTGGCAGGCCAGCACAGCGGCCCG[C>T]AGCACCGCGGCCTCTTCCACCAGGCACGGTGTGGCATCCATGCAGCTGGTGCAGCCCTCA-3'
Protein context (NP_001004334.3, residues 370-390): TPCLVEEAAV[Leu380=]RAAVLACQAC